The following is an entry in ClinVar:

NM_001320047.2(FIRRM):c.2249G>A (p.Gly750Glu)

Genes: FIRRM (FIGNL1 interacting regulator of recombination and mitosis; plus strand), SCYL3 (SCY1 like pseudokinase 3; minus strand). Cytogenetic location: 1q24.2.
Variant type: single nucleotide variant.
Coding change: c.2249G>A on transcript NM_001320047.2 (MANE Select); coding-DNA position 2249, G replaced by A.
Protein change: p.Gly750Glu; replaces glycine 750 with glutamic acid.
Molecular consequence: missense variant. On other transcripts: non-coding transcript variant (1), 3 prime UTR variant (2).
Genome position (GRCh38, 1-based): chr1:169,851,821, G>A. VCF-style: chr1-169851821-G-A. GRCh37 (hg19) VCF-style: chr1-169820962-G-A.
Other names: c.1844G>A, p.Gly615Glu (NM_001320048.2); c.1280G>A, p.Gly427Glu (NM_001363739.2, NM_001366771.1, NM_001366772.1 and 1 more transcripts); c.2162G>A, p.Gly721Glu (NM_001366768.1); c.2423G>A, p.Gly808Glu (NM_001366769.1, NM_001366770.1); c.*1892C>T (NM_020423.7, NM_181093.4); short protein forms G427E, G615E, G721E, G750E, G808E.
Identifiers: ClinVar variation 2639542 (VCV002639542.24), dbSNP rs74523449, ClinGen allele CA1237402.

ClinVar aggregate classification (germline): Likely benign (1 of 4 stars; one submission).

Allele frequency attached by ClinVar (database versions not stated): 1000 Genomes Project 0.00120; 1000 Genomes Project 30x 0.00141; TOPMed 0.00237; gnomAD 0.00276; ExAC 0.00318; ESP Exome Variant Server 0.00346; gnomAD exomes 0.00389.
gnomAD v4.1: 6,027 of 1,613,748 alleles (0.37%); highest among the groups gnomAD compares: Non-Finnish European, 0.43%; 27 homozygotes.

Submission:

CeGaT Center for Human Genetics Tuebingen
Classification: Likely benign. Last evaluated: 2023-02-01. Review status: criteria provided, single submitter. Criteria: CeGaT Center For Human Genetics Tuebingen Variant Classification Criteria Version 2. Collection method: clinical testing. Allele origin: germline. Affected: yes. Observed: 1 variant allele.
Comment: FIRRM: BP4, BS2